The following is an entry in ClinVar:

ClinVar aggregate classification (germline): Pathogenic/Likely pathogenic. Review status: criteria provided, multiple submitters, no conflicts (2 of 4 stars). 2 submissions from 2 submitters: Pathogenic (1); Likely pathogenic (1). Last evaluated 2023-08-14.

Conditions:
Pulmonary fibrosis and/or bone marrow failure, Telomere-related, 3. Also called: PULMONARY FIBROSIS AND/OR BONE MARROW FAILURE SYNDROME, TELOMERE-RELATED, 3. Identifiers: Orphanet 2032, MedGen C4225346, MONDO:0014613, OMIM 616373.
Dyskeratosis congenita, autosomal recessive 5 (DKCB5). Identifiers: MedGen C3554656, MONDO:0014076, OMIM 615190.

Submissions (2):

Labcorp Genetics (formerly Invitae), Labcorp
Classification: Pathogenic for Dyskeratosis congenita, autosomal recessive 5; Pulmonary fibrosis and/or bone marrow failure, Telomere-related, 3. Last evaluated: 2023-08-14. Review status: criteria provided, single submitter. Criteria: Invitae Variant Classification Sherloc (09022015). Collection method: clinical testing. Allele origin: germline.
Comment: This variant is present in population databases (no rsID available, gnomAD 0.006%). The RTEL1 gene has multiple clinically relevant transcripts. This variant occurs in alternate transcript NM_001283009.1, and corresponds to NM_032957.4:c.3724+63_3724+64delTC in the primary transcript. This sequence change creates a premature translational stop signal (p.Ala1240Argfs*21) in the RTEL1 gene. While this is not anticipated to result in nonsense mediated decay, it is expected to disrupt the last 61 amino acid(s) of the RTEL1 protein. This variant has not been reported in the literature in individuals affected with RTEL1-related conditions. ClinVar contains an entry for this variant (Variation ID: 656263). This variant disrupts a region of the RTEL1 protein in which other variant(s) (p.Arg1264) have been determined to be pathogenic (PMID: 23453664, 24009516, 25047097, 25099625, 25620558, 26025130). This suggests that this is a clinically significant region of the protein, and that variants that disrupt it are likely to be disease-causing. For these reasons, this variant has been classified as Pathogenic.

Fulgent Genetics
Classification: Likely pathogenic for Dyskeratosis congenita, autosomal recessive 5; Pulmonary fibrosis and/or bone marrow failure, Telomere-related, 3. Last evaluated: 2022-04-04. Review status: criteria provided, single submitter. Criteria: ACMG Guidelines, 2015. Collection method: clinical testing. Allele origin: unknown.

Literature cited by the submitters: PubMed 23453664 (cited by Labcorp Genetics (formerly Invitae), Labcorp); PubMed 24009516 (cited by Labcorp Genetics (formerly Invitae), Labcorp); PubMed 25047097 (cited by Labcorp Genetics (formerly Invitae), Labcorp); PubMed 25099625 (cited by Labcorp Genetics (formerly Invitae), Labcorp); PubMed 25620558 (cited by Labcorp Genetics (formerly Invitae), Labcorp); PubMed 26025130 (cited by Labcorp Genetics (formerly Invitae), Labcorp).

NM_001283009.2(RTEL1):c.3715_3716del (p.Ala1240fs)

Genes: RTEL1-TNFRSF6B (RTEL1-TNFRSF6B readthrough (NMD candidate); plus strand), RTEL1 (regulator of telomere elongation helicase 1; plus strand). Cytogenetic location: 20q13.33.
Variant type: Microsatellite.
Coding change: c.3715_3716del on transcript NM_001283009.2 (MANE Select); coding-DNA positions 3715 to 3716, 2 bases deleted (TC; older notation c.3715_3716delTC).
Protein change: p.Ala1240fs; shifts the reading frame from alanine 1240.
Molecular consequence: frameshift variant. On other transcripts: non-coding transcript variant (1), intron variant (3).
Genome position (GRCh38, 1-based): chr20:63,695,543-63,695,544, TC deleted; deleting any 2 consecutive bases within chr20:63,695,540-63,695,544 gives the same sequence; the c. name uses the placement nearest the transcript's 3' end. VCF-style (leftmost placement, unchanged base first): chr20-63695539-CCT-C. GRCh37 (hg19) VCF-style: chr20-62326892-CCT-C.
Other names: c.2983+63_2983+64del (NM_001283010.1); c.3724+63_3724+64del (NM_032957.5); c.3652+63_3652+64del (NM_016434.4); c.3715_3716del (NM_001283009.1); short protein forms A1240fs.
Identifiers: ClinVar variation 656263 (VCV000656263.8), dbSNP rs1363658406, ClinGen allele CA636615349.